The following is an entry in ClinVar:

ClinVar aggregate classification (germline): Uncertain significance. Review status: criteria provided, multiple submitters, no conflicts (2 of 4 stars). 5 submissions from 5 submitters: Uncertain significance (5). Last evaluated 2022-09-07.

Conditions:
Inborn genetic diseases. Identifiers: MedGen C0950123, MeSH D030342.
Developmental and epileptic encephalopathy, 12 (DEE12). Identifiers: MedGen C3150988, MONDO:0013389, OMIM 613722.
Ataxia - oculomotor apraxia type 4. Identifiers: Orphanet 459033, MedGen C4225397, MONDO:0014557, OMIM 616267.

Allele frequency attached by ClinVar (database versions not stated): gnomAD exomes 0.00004 and 0.00006; ExAC 0.00005; gnomAD 0.00007; TOPMed 0.00009.

Submissions (5):

Labcorp Genetics (formerly Invitae), Labcorp
Classification: Uncertain significance for Developmental and epileptic encephalopathy, 12. Last evaluated: 2022-09-07. Review status: criteria provided, single submitter. Criteria: Invitae Variant Classification Sherloc (09022015). Collection method: clinical testing. Allele origin: germline.
Comment: This sequence change replaces arginine, which is basic and polar, with cysteine, which is neutral and slightly polar, at codon 224 of the PNKP protein (p.Arg224Cys). This variant is present in population databases (rs761117623, gnomAD 0.02%). This variant has not been reported in the literature in individuals affected with PNKP-related conditions. ClinVar contains an entry for this variant (Variation ID: 206391). Algorithms developed to predict the effect of missense changes on protein structure and function are either unavailable or do not agree on the potential impact of this missense change (SIFT: "Deleterious"; PolyPhen-2: "Probably Damaging"; Align-GVGD: "Class C15"). Algorithms developed to predict the effect of sequence changes on RNA splicing suggest that this variant may create or strengthen a splice site. In summary, the available evidence is currently insufficient to determine the role of this variant in disease. Therefore, it has been classified as a Variant of Uncertain Significance.

GeneDx
Classification: Uncertain significance. Last evaluated: 2021-01-11. Review status: criteria provided, single submitter. Criteria: GeneDx Variant Classification Process June 2021. Collection method: clinical testing. Allele origin: germline. Affected: yes.
Comment: In silico analysis supports that this missense variant has a deleterious effect on protein structure/function; Has not been previously published as pathogenic or benign to our knowledge

Ambry Genetics
Classification: Uncertain significance for Inborn genetic diseases. Last evaluated: 2018-06-21. Review status: criteria provided, single submitter. Criteria: Ambry Variant Classification Scheme 2023. Collection method: clinical testing. Allele origin: germline.
Comment: The p.R224C variant (also known as c.670C>T), located in coding exon 6 of the PNKP gene, results from a C to T substitution at nucleotide position 670. The arginine at codon 224 is replaced by cysteine, an amino acid with highly dissimilar properties. This amino acid position is well conserved in available vertebrate species. In addition, the in silico prediction for this alteration is inconclusive. Since supporting evidence is limited at this time, the clinical significance of this alteration remains unclear.

Baylor Genetics
Classification: Uncertain significance for Ataxia - oculomotor apraxia type 4. Last evaluated: 2018-02-12. Review status: criteria provided, single submitter. Criteria: ACMG Guidelines, 2015. Collection method: clinical testing. Allele origin: maternal. Affected: yes.
Comment: This variant was determined to be of uncertain significance according to ACMG Guidelines, 2015 [PMID:25741868].

Genetic Services Laboratory, University of Chicago
Classification: Uncertain significance. Last evaluated: 2017-02-22. Review status: criteria provided, single submitter. Criteria: ACMG Guidelines, 2015. Collection method: clinical testing. Allele origin: germline. Affected: no.

NM_007254.4(PNKP):c.670C>T (p.Arg224Cys)

Gene: PNKP (polynucleotide kinase 3'-phosphatase; minus strand). Cytogenetic location: 19q13.33.
Variant type: single nucleotide variant.
Coding change: c.670C>T on transcript NM_007254.4 (MANE Select); coding-DNA position 670, C replaced by T.
Protein change: p.Arg224Cys; replaces arginine 224 with cysteine.
Molecular consequence: missense variant.
Genome position (GRCh38, 1-based): chr19:49,864,038, G>A on the plus strand (C>T on the coding strand, the complement: PNKP is on the minus strand). VCF-style: chr19-49864038-G-A. GRCh37 (hg19) VCF-style: chr19-50367295-G-A.
Other names: p.R224C:CGC>TGC; short protein forms R224C.
Identifiers: ClinVar variation 206391 (VCV000206391.15), dbSNP rs761117623, ClinGen allele CA316462.
Genomic context (GRCh38, chr19:49,864,038, plus strand): 5'-CCAGCTTCTCCACCACAGCCTCCACCTTGGCCTTGAACTCCTCGGCTGGCAGCTTCCCGC[G>A]CCCGATGCTCATCTGGTTGGTGAAGATCACCAGCTGGGGAGCAAAGGGTGTCACCAGACG-3'
Protein context (NP_009185.2, residues 214-234): VIFTNQMSIG[Arg224Cys]GKLPAEEFKA